The following is an entry in ClinVar:

ClinVar aggregate classification (germline): Pathogenic/Likely pathogenic. Review status: criteria provided, multiple submitters, no conflicts (2 of 4 stars). 3 submissions from 3 submitters: Pathogenic (1); Likely pathogenic (2). Last evaluated 2025-06-27.

Conditions:
Familial thoracic aortic aneurysm and aortic dissection (TAAD). Also called: Thoracic aortic aneurysms and dissections. Identifiers: Orphanet 91387, MedGen C4707243, MONDO:0019625.
Arterial tortuosity syndrome (ATORS). Identifiers: Orphanet 3342, MedGen C1859726, MONDO:0008818, OMIM 208050.

Submissions (3):

Labcorp Genetics (formerly Invitae), Labcorp
Classification: Pathogenic for Arterial tortuosity syndrome. Last evaluated: 2025-06-27. Review status: criteria provided, single submitter. Criteria: Invitae Variant Classification Sherloc (09022015). Collection method: clinical testing. Allele origin: germline.
Comment: This sequence change affects the initiator codon of the SLC2A10 mRNA. This change may impact translation initiation or efficiency. The next in-frame methionine is located at codon 117. This variant is not present in population databases (gnomAD no frequency). Disruption of the initiator codon has been observed in individual(s) with arterial tortuosity (PMID: 29323665). ClinVar contains an entry for this variant (Variation ID: 3319431). This variant disrupts a region of the SLC2A10 protein in which other variant(s) (p.Ser81Arg) have been determined to be pathogenic (PMID: 16550171, 18565096). This suggests that this is a clinically significant region of the protein, and that variants that disrupt it are likely to be disease-causing. For these reasons, this variant has been classified as Pathogenic.

Ambry Genetics
Classification: Likely pathogenic for Familial thoracic aortic aneurysm and aortic dissection. Last evaluated: 2024-04-17. Review status: criteria provided, single submitter. Criteria: Ambry Variant Classification Scheme 2023. Collection method: clinical testing. Allele origin: germline.
Comment: The p.M1? variant (also known as c.1A>T) is located in coding exon 1 of the SLC2A10 gene and results from a A to T substitution at nucleotide position 1. This alters the methionine residue at the initiation codon (ATG). This variant is considered to be rare based on population cohorts in the Genome Aggregation Database (gnomAD). This amino acid position is well conserved in available vertebrate species. Sequence variations that modify the initiation codon are expected to result in either loss of translation initiation, N-terminal truncation, or cause a shift in the mRNA reading frame. Based on the majority of available evidence to date, this variant is likely to be pathogenic.

Fulgent Genetics
Classification: Likely pathogenic for Arterial tortuosity syndrome. Last evaluated: 2024-04-17. Review status: criteria provided, single submitter. Criteria: ACMG Guidelines, 2015. Collection method: clinical testing. Allele origin: germline.

Literature cited by the submitters: PubMed 29323665 (cited by Labcorp Genetics (formerly Invitae), Labcorp); PubMed 16550171 (cited by Labcorp Genetics (formerly Invitae), Labcorp); PubMed 18565096 (cited by Labcorp Genetics (formerly Invitae), Labcorp).

NM_030777.4(SLC2A10):c.1A>T (p.Met1Leu)

Gene: SLC2A10 (solute carrier family 2 member 10; plus strand). Cytogenetic location: 20q13.12.
Variant type: single nucleotide variant.
Coding change: c.1A>T on transcript NM_030777.4 (MANE Select); coding-DNA position 1, A replaced by T.
Protein change: p.Met1Leu; changes the start codon (methionine 1).
Molecular consequence: missense variant, initiator codon variant.
Genome position (GRCh38, 1-based): chr20:46,709,737, A>T. VCF-style: chr20-46709737-A-T. GRCh37 (hg19) VCF-style: chr20-45338376-A-T.
Other names: short protein forms M1L.
Identifiers: ClinVar variation 3319431 (VCV003319431.3).